The following is an entry in ClinVar:

ClinVar aggregate classification (germline): Likely benign (0 of 4 stars; one submission).

Conditions:
COA3-related disorder. Also called: COA3-related condition.

gnomAD v4.1: 28 of 1,606,506 alleles (0.0017%); highest among the groups gnomAD compares: Non-Finnish European, 0.0024%; no homozygotes.

Submission:

PreventionGenetics, part of Exact Sciences
Classification: Likely benign for COA3-related condition. Last evaluated: 2019-11-19. Review status: no assertion criteria provided. Collection method: clinical testing. Allele origin: germline.
Comment: This variant is classified as likely benign based on ACMG/AMP sequence variant interpretation guidelines (Richards et al. 2015 PMID: 25741868, with internal and published modifications).

NM_001040431.3(COA3):c.*8G>A

Gene: COA3 (cytochrome c oxidase assembly factor 3; minus strand). Cytogenetic location: 17q21.2.
Variant type: single nucleotide variant.
Coding change: c.*8G>A on transcript NM_001040431.3 (MANE Select); 8 bases downstream of the stop codon, G replaced by A.
Molecular consequence: 3 prime UTR variant.
Genome position (GRCh38, 1-based): chr17:42,798,053, C>T on the plus strand (G>A on the coding strand, the complement: COA3 is on the minus strand). VCF-style: chr17-42798053-C-T. GRCh37 (hg19) VCF-style: chr17-40950071-C-T.
Identifiers: ClinVar variation 3353472 (VCV003353472.1).